The following is an entry in ClinVar:

ClinVar aggregate classification (germline): Uncertain significance (1 of 4 stars; one submission).

Conditions:
Charcot-Marie-Tooth disease axonal type 2S. Also called: CHARCOT-MARIE-TOOTH NEUROPATHY, TYPE 2S; CHARCOT-MARIE-TOOTH DISEASE, AXONAL, AUTOSOMAL RECESSIVE, TYPE 2S. Identifiers: Orphanet 443073, MedGen C4015349, MONDO:0014511, OMIM 616155.
Autosomal recessive distal spinal muscular atrophy 1. Also called: HMN VI; NEURONOPATHY, SEVERE INFANTILE AXONAL, WITH RESPIRATORY FAILURE; SEVERE INFANTILE AXONAL NEUROPATHY WITH RESPIRATORY FAILURE; SPINAL MUSCULAR ATROPHY, DIAPHRAGMATIC; Spinal muscular atrophy with respiratory distress 1; NEURONOPATHY, DISTAL HEREDITARY MOTOR, HARDING TYPE VI. Identifiers: Orphanet 98920, MedGen C1858517, MONDO:0011436, OMIM 604320.

gnomAD v4.1: 4 of 1,614,104 alleles (0.00025%); highest among the groups gnomAD compares: Admixed American, 0.0033%; no homozygotes.

Submission:

Labcorp Genetics (formerly Invitae), Labcorp
Classification: Uncertain significance for Autosomal recessive distal spinal muscular atrophy 1; Charcot-Marie-Tooth disease axonal type 2S. Last evaluated: 2022-11-08. Review status: criteria provided, single submitter. Criteria: Invitae Variant Classification Sherloc (09022015). Collection method: clinical testing. Allele origin: germline.
Comment: In summary, the available evidence is currently insufficient to determine the role of this variant in disease. Therefore, it has been classified as a Variant of Uncertain Significance. This sequence change replaces arginine, which is basic and polar, with serine, which is neutral and polar, at codon 56 of the IGHMBP2 protein (p.Arg56Ser). This variant is present in population databases (no rsID available, gnomAD 0.003%). This variant has not been reported in the literature in individuals affected with IGHMBP2-related conditions. ClinVar contains an entry for this variant (Variation ID: 534926). Advanced modeling of protein sequence and biophysical properties (such as structural, functional, and spatial information, amino acid conservation, physicochemical variation, residue mobility, and thermodynamic stability) performed at Invitae indicates that this missense variant is not expected to disrupt IGHMBP2 protein function.

NM_002180.3(IGHMBP2):c.166C>A (p.Arg56Ser)

Gene: IGHMBP2 (immunoglobulin mu DNA binding protein 2; plus strand). Cytogenetic location: 11q13.3.
Variant type: single nucleotide variant.
Coding change: c.166C>A on transcript NM_002180.3 (MANE Select); coding-DNA position 166, C replaced by A.
Protein change: p.Arg56Ser; replaces arginine 56 with serine.
Molecular consequence: missense variant.
Genome position (GRCh38, 1-based): chr11:68,906,148, C>A. VCF-style: chr11-68906148-C-A. GRCh37 (hg19) VCF-style: chr11-68673616-C-A.
Other names: short protein forms R56S.
Identifiers: ClinVar variation 534926 (VCV000534926.9), dbSNP rs201649839, ClinGen allele CA381642367.
Genomic context (GRCh38, chr11:68,906,148, plus strand): 5'-TCTCTGAAAGAGCTCCAGAGCCGAGGCGTGTGTTTGCTGAAGCTGCAGGTATCCAGCCAG[C>A]GCACTGGGCTGTACGGACGGCTGCTGGTCACCTTTGAGCCCAGGCGATACGGGTCCGCGG-3'
Protein context (NP_002171.2, residues 46-66): CLLKLQVSSQ[Arg56Ser]TGLYGRLLVT